The following is an entry in ClinVar:

ClinVar aggregate classification (germline): Uncertain significance (1 of 4 stars; one submission).

gnomAD v4.1: 3 of 1,614,154 alleles (0.00019%); highest among the groups gnomAD compares: East Asian, 0.0022%; no homozygotes.

Submission:

Labcorp Genetics (formerly Invitae), Labcorp
Classification: Uncertain significance. Last evaluated: 2024-12-31. Review status: criteria provided, single submitter. Criteria: Invitae Variant Classification Sherloc (09022015). Collection method: clinical testing. Allele origin: germline.
Comment: This sequence change replaces valine, which is neutral and non-polar, with methionine, which is neutral and non-polar, at codon 163 of the PCGF2 protein (p.Val163Met). This variant is present in population databases (rs776481995, gnomAD 0.006%). This variant has not been reported in the literature in individuals affected with PCGF2-related conditions. Invitae Evidence Modeling of protein sequence and biophysical properties (such as structural, functional, and spatial information, amino acid conservation, physicochemical variation, residue mobility, and thermodynamic stability) indicates that this missense variant is not expected to disrupt PCGF2 protein function with a negative predictive value of 80%. In summary, the available evidence is currently insufficient to determine the role of this variant in disease. Therefore, it has been classified as a Variant of Uncertain Significance.

NM_007144.3(PCGF2):c.487G>A (p.Val163Met)

Gene: PCGF2 (polycomb group ring finger 2; minus strand). Cytogenetic location: 17q12.
Variant type: single nucleotide variant.
Coding change: c.487G>A on transcript NM_007144.3 (MANE Select); coding-DNA position 487, G replaced by A.
Protein change: p.Val163Met; replaces valine 163 with methionine.
Molecular consequence: missense variant.
Genome position (GRCh38, 1-based): chr17:38,738,442, C>T on the plus strand (G>A on the coding strand, the complement: PCGF2 is on the minus strand). VCF-style: chr17-38738442-C-T. GRCh37 (hg19) VCF-style: chr17-36894695-C-T.
Other names: c.487G>A, p.Val163Met (NM_001369614.1, NM_001369615.1); short protein forms V163M.
Identifiers: ClinVar variation 3605029 (VCV003605029.2).